The following is an entry in ClinVar:

ClinVar aggregate classification (germline): Conflicting classifications of pathogenicity. Review status: criteria provided, conflicting classifications (1 of 4 stars). 4 submissions from 4 submitters: Uncertain significance (3); Benign (1). Last evaluated 2025-09-16.

Conditions:
Hereditary cancer-predisposing syndrome. Also called: Neoplastic Syndromes, Hereditary; Hereditary neoplastic syndrome; Tumor predisposition; Hereditary Cancer Syndrome. Identifiers: Orphanet 140162, MedGen C0027672, MeSH D009386, MONDO:0015356.
Tuberous sclerosis syndrome (TSC). Also called: Tuberous Sclerosis Complex; Tuberous sclerosis. Identifiers: Orphanet 805, MedGen C0041341, MONDO:0001734.
Tuberous sclerosis 1 (TSC1). Identifiers: Orphanet 805, MedGen C1854465, MONDO:0008612, OMIM 191100.
Isolated focal cortical dysplasia type II (FCORD2). Also called: CORTICAL DYSPLASIA OF TAYLOR; Focal cortical dysplasia type II. Identifiers: Orphanet 268994, MedGen C1846385, MONDO:0011818, OMIM 607341, HP:0032051.

Allele frequency attached by ClinVar (database versions not stated): gnomAD exomes 0.00001.
gnomAD v4.1: 10 of 1,610,852 alleles (0.00062%); highest among the groups gnomAD compares: Non-Finnish European, 0.00085%; no homozygotes.

Submissions (4):

Color Diagnostics, LLC DBA Color Health
Classification: Uncertain significance for Tuberous sclerosis syndrome. Last evaluated: 2025-09-16. Review status: criteria provided, single submitter. Criteria: ACMG Guidelines, 2015. Collection method: clinical testing. Allele origin: germline.
Comment: This missense variant replaces proline with leucine at codon 341 of the TSC1 protein. Computational prediction suggests that this variant may not impact protein structure and function. To our knowledge, functional studies have not been reported for this variant. This variant has not been reported in individuals affected with TSC1-related disorders in the literature. This variant has not been identified in the general population by the Genome Aggregation Database (gnomAD). The available evidence is insufficient to determine the role of this variant in disease conclusively. Therefore, this variant is classified as a Variant of Uncertain Significance.

Labcorp Genetics (formerly Invitae), Labcorp
Classification: Benign for Tuberous sclerosis 1. Last evaluated: 2025-08-11. Review status: criteria provided, single submitter. Criteria: Invitae Variant Classification Sherloc (09022015). Collection method: clinical testing. Allele origin: germline.

Ambry Genetics
Classification: Uncertain significance for Hereditary cancer-predisposing syndrome. Last evaluated: 2024-03-19. Review status: criteria provided, single submitter. Criteria: Ambry Variant Classification Scheme 2023. Collection method: clinical testing. Allele origin: germline.
Comment: The p.P341L variant (also known as c.1022C>T), located in coding exon 8 of the TSC1 gene, results from a C to T substitution at nucleotide position 1022. The proline at codon 341 is replaced by leucine, an amino acid with similar properties. This amino acid position is highly conserved in available vertebrate species. In addition, this alteration is predicted to be deleterious by in silico analysis. Since supporting evidence is limited at this time, the clinical significance of this alteration remains unclear.

Baylor Genetics
Classification: Uncertain significance for Isolated focal cortical dysplasia type II. Last evaluated: 2023-07-03. Review status: criteria provided, single submitter. Criteria: ACMG Guidelines, 2015. Collection method: clinical testing. Allele origin: unknown.

NM_000368.5(TSC1):c.1022C>T (p.Pro341Leu)

Gene: TSC1 (TSC complex subunit 1; minus strand). Cytogenetic location: 9q34.13.
Variant type: single nucleotide variant.
Coding change: c.1022C>T on transcript NM_000368.5 (MANE Select); coding-DNA position 1022, C replaced by T.
Protein change: p.Pro341Leu; replaces proline 341 with leucine.
Molecular consequence: missense variant.
Genome position (GRCh38, 1-based): chr9:132,911,460, G>A on the plus strand (C>T on the coding strand, the complement: TSC1 is on the minus strand). VCF-style: chr9-132911460-G-A. GRCh37 (hg19) VCF-style: chr9-135786847-G-A.
Other names: c.1022C>T, p.Pro341Leu (NM_001162426.2); c.869C>T, p.Pro290Leu (NM_001162427.2); c.659C>T, p.Pro220Leu (NM_001362177.2); short protein forms P220L, P290L, P341L.
Identifiers: ClinVar variation 659997 (VCV000659997.13), dbSNP rs1588324106, ClinGen allele CA375368421.